The following is an entry in ClinVar:

ClinVar aggregate classification (germline): Uncertain significance. Review status: criteria provided, multiple submitters, no conflicts (2 of 4 stars). 6 submissions from 6 submitters: Uncertain significance (6). Last evaluated 2026-02-11.

Conditions:
Hyperinsulinemic hypoglycemia, familial, 1 (HHF1). Also called: Persistent hyperinsulinemic hypoglycemia of infancy; Persistent Hyperinsulinemia Hypoglycemia of Infancy; HYPERINSULINISM, FAMILIAL, WITH PANCREATIC NESIDIOBLASTOSIS; HYPOGLYCEMIA, HYPERINSULINEMIC, OF INFANCY; NESIDIOBLASTOSIS OF PANCREAS. Identifiers: Orphanet 276575, Orphanet 276598, MedGen C2931832, MONDO:0009734, OMIM 256450.
Leucine-induced hypoglycemia (LIH). Also called: LEUCINE-SENSITIVE HYPOGLYCEMIA OF INFANCY. Identifiers: MedGen C0271714, MONDO:0009415, OMIM 240800.
Type 2 diabetes mellitus. Also called: Type II diabetes mellitus. Identifiers: MedGen C0011860, MeSH D003924, MONDO:0005148, OMIM 125853, HP:0005978.
Diabetes mellitus, transient neonatal, 2 (TNDM2). Identifiers: Orphanet 99886, MedGen C1835887, MONDO:0012480, OMIM 610374. Disease mechanism: loss of function.
Diabetes mellitus, permanent neonatal 3. Also called: ABCC8-Related Permanent Neonatal Diabetes Mellitus. Identifiers: MedGen C5394303, MONDO:0030088, OMIM 618857.

Allele frequency attached by ClinVar (database versions not stated): ExAC 0.00001; gnomAD 0.00001; gnomAD exomes 0.00001 and 0.00002; TOPMed 0.00001.
gnomAD v4.1: 31 of 1,613,666 alleles (0.0019%); highest among the groups gnomAD compares: East Asian, 0.0089%; no homozygotes.

Submissions (6):

GeneDx
Classification: Uncertain significance. Last evaluated: 2026-02-11. Review status: criteria provided, single submitter. Criteria: GeneDx Variant Classification Process June 2021. Collection method: clinical testing. Allele origin: germline.
Comment: Reported in a patient with antibody-positive type 1 diabetes; however, additional clinical information was not provided (PMID: 30191644); In silico analysis supports that this missense variant has a deleterious effect on protein structure/function; This variant is associated with the following publications: (PMID: 30191644, 31727138)

3billion
Classification: Uncertain significance for Diabetes mellitus, permanent neonatal 3. Last evaluated: 2025-10-03. Review status: criteria provided, single submitter. Criteria: ACMG Guidelines, 2015. Collection method: clinical testing. Allele origin: germline. Affected: yes.
Comment: The variant is observed at an extremely low frequency in the gnomAD v4.1.0 dataset (total allele frequency: 0.002%). Predicted Consequence/Location: Missense variant In silico tool predictions suggest damaging effect of the variant on gene or gene product [REVEL: 0.72 (>=0.6, sensitivity 0.68 and specificity 0.92); 3Cnet: 0.44 (> 0.75, sensitivity 0.96 and precision 0.92)]. A different missense change at the same codon (p.Arg648His) has been reported to be associated with ABCC8-related disorder (PMID: 34462253). However the evidence of pathogenicity is insufficient at this time. Therefore, this variant is classified as VUS according to the recommendation of ACMG/AMP guideline.

Women's Health and Genetics/Laboratory Corporation of America, LabCorp
Classification: Uncertain significance. Last evaluated: 2024-08-02. Review status: criteria provided, single submitter. Criteria: LabCorp Variant Classification Summary - May 2015. Collection method: clinical testing. Allele origin: germline.
Comment: Variant summary: ABCC8 c.1942C>T (p.Arg648Cys) results in a non-conservative amino acid change in the encoded protein sequence. Five of five in-silico tools predict a damaging effect of the variant on protein function. The variant allele was found at a frequency of 2e-05 in 250832 control chromosomes. The available data on variant occurrences in the general population are insufficient to allow any conclusion about variant significance. c.1942C>T has been reported in the literature in at-least one presumed Ab+ T1DM patient (Johnson_2019). These report(s) do not provide unequivocal conclusions about association of the variant with Familial Hyperinsulinism. To our knowledge, no experimental evidence demonstrating an impact on protein function has been reported. The following publication has been ascertained in the context of this evaluation (PMID: 30191644). ClinVar contains an entry for this variant (Variation ID: 1338082). Based on the evidence outlined above, the variant was classified as uncertain significance.

Labcorp Genetics (formerly Invitae), Labcorp
Classification: Uncertain significance. Last evaluated: 2024-07-19. Review status: criteria provided, single submitter. Criteria: Invitae Variant Classification Sherloc (09022015). Collection method: clinical testing. Allele origin: germline.
Comment: This sequence change replaces arginine, which is basic and polar, with cysteine, which is neutral and slightly polar, at codon 648 of the ABCC8 protein (p.Arg648Cys). This variant is present in population databases (rs373175144, gnomAD 0.005%). This missense change has been observed in individual(s) with ABCC8-related conditions (PMID: 30191644, 31727138). ClinVar contains an entry for this variant (Variation ID: 1338082). Advanced modeling of protein sequence and biophysical properties (such as structural, functional, and spatial information, amino acid conservation, physicochemical variation, residue mobility, and thermodynamic stability) performed at Invitae indicates that this missense variant is expected to disrupt ABCC8 protein function with a positive predictive value of 95%. In summary, the available evidence is currently insufficient to determine the role of this variant in disease. Therefore, it has been classified as a Variant of Uncertain Significance.

Fulgent Genetics
Classification: Uncertain significance for Type 2 diabetes mellitus; Leucine-induced hypoglycemia; Hyperinsulinemic hypoglycemia, familial, 1; Diabetes mellitus, transient neonatal, 2; Diabetes mellitus, permanent neonatal 3. Last evaluated: 2024-02-21. Review status: criteria provided, single submitter. Criteria: ACMG Guidelines, 2015. Collection method: clinical testing. Allele origin: germline.

Genetic Services Laboratory, University of Chicago
Classification: Uncertain significance. Last evaluated: 2021-09-24. Review status: criteria provided, single submitter. Criteria: ACMG Guidelines, 2015. Collection method: clinical testing. Allele origin: germline. Affected: no.
Comment: This sequence change does not appear to have been previously described in individuals with ABCC8-related disorders. This sequence change has been described in the gnomAD database with a frequency of 0.0021% (rs373175144). The p.Arg648Cys change affects a highly conserved amino acid residue located in a domain of the ABCC8 protein that is not known to be functional. In-silico pathogenicity prediction tools (SIFT, PolyPhen2, Align GVGD, REVEL) provide contradictory results for the p.Arg648Cys substitution. Due to insufficient evidence and the lack of functional studies, the clinical significance of the p.Arg648Cys change remains unknown at this time.

Literature cited by the submitters: PubMed 34462253 (cited by 3billion); PubMed 30191644 (cited by Women's Health and Genetics/Laboratory Corporation of America, LabCorp and Labcorp Genetics (formerly Invitae), Labcorp); PubMed 31727138 (cited by Labcorp Genetics (formerly Invitae), Labcorp).

NM_000352.6(ABCC8):c.1942C>T (p.Arg648Cys)

Gene: ABCC8 (ATP binding cassette subfamily C member 8; minus strand). Cytogenetic location: 11p15.1.
Variant type: single nucleotide variant.
Coding change: c.1942C>T on transcript NM_000352.6 (MANE Select); coding-DNA position 1942, C replaced by T.
Protein change: p.Arg648Cys; replaces arginine 648 with cysteine.
Molecular consequence: missense variant. On other transcripts: non-coding transcript variant (1).
Genome position (GRCh38, 1-based): chr11:17,428,387, G>A on the plus strand (C>T on the coding strand, the complement: ABCC8 is on the minus strand). VCF-style: chr11-17428387-G-A. GRCh37 (hg19) VCF-style: chr11-17449934-G-A.
Other names: c.1942C>T, p.Arg648Cys (NM_001287174.3); c.2008C>T, p.Arg670Cys (NM_001351295.2); c.1939C>T, p.Arg647Cys (NM_001351296.2, NM_001351297.2); c.1942C>T (NM_000352.3); short protein forms R647C, R648C, R670C.
Identifiers: ClinVar variation 1338082 (VCV001338082.11), dbSNP rs373175144, ClinGen allele CA5903371.